The following is an entry in ClinVar:

NM_000143.4(FH):c.706A>G (p.Thr236Ala)

Gene: FH (fumarate hydratase; minus strand). Cytogenetic location: 1q43.
Variant type: single nucleotide variant.
Coding change: c.706A>G on transcript NM_000143.4 (MANE Select); coding-DNA position 706, A replaced by G.
Protein change: p.Thr236Ala; replaces threonine 236 with alanine.
Molecular consequence: missense variant.
Genome position (GRCh38, 1-based): chr1:241,508,635, T>C on the plus strand (A>G on the coding strand, the complement: FH is on the minus strand). VCF-style: chr1-241508635-T-C. GRCh37 (hg19) VCF-style: chr1-241671935-T-C.
Other names: short protein forms T236A.
Identifiers: ClinVar variation 418210 (VCV000418210.12), dbSNP rs1064793126, ClinGen allele CA16617116.

ClinVar aggregate classification (germline): Conflicting classifications of pathogenicity. Review status: criteria provided, conflicting classifications (1 of 4 stars). 3 submissions from 3 submitters: Likely pathogenic (1); Uncertain significance (2). Last evaluated 2025-03-24.

Conditions:
Hereditary cancer-predisposing syndrome. Also called: Neoplastic Syndromes, Hereditary; Hereditary Cancer Syndrome; Hereditary neoplastic syndrome; Tumor predisposition. Identifiers: Orphanet 140162, MedGen C0027672, MeSH D009386, MONDO:0015356.

Submissions (4):

Ambry Genetics
Classification: Uncertain significance for Hereditary cancer-predisposing syndrome. Last evaluated: 2025-03-24. Review status: criteria provided, single submitter. Criteria: Ambry Variant Classification Scheme 2023. Collection method: clinical testing. Allele origin: germline.
Comment: The p.T236A variant (also known as c.706A>G), located in coding exon 5 of the FH gene, results from an A to G substitution at nucleotide position 706. The threonine at codon 236 is replaced by alanine, an amino acid with similar properties. This amino acid position is highly conserved in available vertebrate species. In addition, this alteration is predicted to be deleterious by in silico analysis. Based on the available evidence, the clinical significance of this variant remains unclear.

Labcorp Genetics (formerly Invitae), Labcorp
Classification: Uncertain significance. Last evaluated: 2023-07-10. Review status: criteria provided, single submitter. Criteria: Invitae Variant Classification Sherloc (09022015). Collection method: clinical testing. Allele origin: germline.
Comment: This sequence change replaces threonine, which is neutral and polar, with alanine, which is neutral and non-polar, at codon 236 of the FH protein (p.Thr236Ala). This variant is not present in population databases (gnomAD no frequency). In summary, the available evidence is currently insufficient to determine the role of this variant in disease. Therefore, it has been classified as a Variant of Uncertain Significance. Experimental studies have shown that this missense change affects FH function (PMID: 26237645). Advanced modeling of protein sequence and biophysical properties (such as structural, functional, and spatial information, amino acid conservation, physicochemical variation, residue mobility, and thermodynamic stability) has been performed at Invitae for this missense variant, however the output from this modeling did not meet the statistical confidence thresholds required to predict the impact of this variant on FH protein function. ClinVar contains an entry for this variant (Variation ID: 418210). This missense change has been observed in individual(s) with hereditary leiomyomatosis and renal cell cancer (PMID: 29423582).

GeneDx
Classification: Likely pathogenic. Last evaluated: 2015-03-30. Review status: criteria provided, single submitter. Criteria: GeneDx Variant Classification (06012015). Collection method: clinical testing. Allele origin: germline. Affected: yes.
Comment: To our knowledge, the T236A variant, likely pathogenic in the FH gene has not been published as a pathogenic variant, nor has it been reported as a benign polymorphism. It was not observed in approximately 6,500 individuals of European and African American ancestry in the NHLBI Exome Sequencing Project, indicating it is not a common benign variant in these populations. T236A is a non-conservative amino acid substitution, which is likely to impact secondary protein structure as these residues differ in polarity, charge, size and/or other properties. This substitution occurs at a position that is conserved across species. In silico analysis predicts this variant is probably damaging to the protein structure/ function. Missense variants in nearby residues (L244R, H235R, R233H/L/C, L230R, I229T, and I228N) have been reported in the Human Gene Mutation Database in association with FH-related disorders (Stenson et al., 2009), supporting the functional importance of this region of the protein. Therefore, this variant is a strong candidate for a pathogenic variant; however, the possibility that it is a benign variant cannot be excluded.

Blake Wilde Laboratory, Roswell Park Comprehensive Cancer Center
No classification provided (evidence only). Condition: Hereditary leiomyomatosis and renal cell cancer. Review status: no classification provided. Collection method: in vitro. Allele origin: not applicable. Functional consequence: decreased enzyme activity. Not counted in ClinVar's aggregate classification.

Literature cited by the submitters: PubMed 29423582 (cited by Ambry Genetics and Labcorp Genetics (formerly Invitae), Labcorp); PubMed 26237645 (cited by Labcorp Genetics (formerly Invitae), Labcorp).